The following is an entry in ClinVar:

ClinVar aggregate classification (germline): Uncertain significance (1 of 4 stars; one submission).

Conditions:
Lethal congenital glycogen storage disease of heart. Also called: GLYCOGEN STORAGE DISEASE OF HEART; PHOSPHORYLASE KINASE DEFICIENCY OF HEART. Identifiers: Orphanet 439854, MedGen C1849813, MONDO:0009867, OMIM 261740.

Submission:

Labcorp Genetics (formerly Invitae), Labcorp
Classification: Uncertain significance for Lethal congenital glycogen storage disease of heart. Last evaluated: 2023-05-30. Review status: criteria provided, single submitter. Criteria: Invitae Variant Classification Sherloc (09022015). Collection method: clinical testing. Allele origin: unknown.
Comment: In summary, the available evidence is currently insufficient to determine the role of this variant in disease. Therefore, it has been classified as a Variant of Uncertain Significance. This variant has not been reported in the literature in individuals affected with PRKAG2-related conditions. This variant results in a copy number gain of the genomic region encompassing exon(s) 6 of the PRKAG2 gene. While the exact position of this variant cannot be determined from the data, sub-genic copy number gains are generally in tandem (PMID: 25640679). This variant is predicted to be out-of-frame, and may result in an absent or disrupted protein product. However, the current clinical and genetic evidence is not sufficient to establish whether loss-of-function variants in PRKAG2 cause disease.

Literature cited by the submitters: PubMed 25640679.

NC_000007.13:g.(?_151292411)_(151292560_?)dup

Gene: PRKAG2 (protein kinase AMP-activated non-catalytic subunit gamma 2; minus strand). Cytogenetic location: 7q36.1.
Variant type: Duplication.
Identifiers: ClinVar variation 3245746 (VCV003245746.1).